The following is an entry in ClinVar:

ClinVar aggregate classification (germline): Likely pathogenic (1 of 4 stars; one submission).

Conditions:
Tay-Sachs disease (TSD). Also called: Hexosaminidase A Deficiency; HEXA Disorders; GM2 gangliosidosis, type 1; Hexosaminidase alpha-subunit deficiency (variant B); Sphingolipidosis, Tay-Sachs; HEXA DEFICIENCY. Identifiers: Orphanet 845, MedGen C0039373, MONDO:0010100, OMIM 272800.

Submission:

Myriad Genetics, Inc.
Classification: Likely pathogenic for Tay-Sachs disease. Last evaluated: 2020-01-01. Review status: criteria provided, single submitter. Criteria: Myriad Women's Health Autosomal Recessive and X-Linked Classification Criteria (2019). Collection method: clinical testing. Allele origin: unknown.
Comment: NM_000520.4(HEXA):c.370C>T(Q124*) is expected to be pathogenic in the context of hexosaminidase A deficiency. This variant is predicted to lead to an abnormal or absent protein product due to the creation of a premature termination codon in HEXA, a gene where loss-of-function variants are known to be pathogenic. Please note: this variant was assessed in the context of healthy population screening.

NM_000520.6(HEXA):c.370C>T (p.Gln124Ter)

Gene: HEXA (hexosaminidase subunit alpha; minus strand). Cytogenetic location: 15q23.
Variant type: single nucleotide variant.
Coding change: c.370C>T on transcript NM_000520.6 (MANE Select); coding-DNA position 370, C replaced by T.
Protein change: p.Gln124Ter; replaces glutamine 124 with a stop codon.
Molecular consequence: nonsense. On other transcripts: non-coding transcript variant (1).
Genome position (GRCh38, 1-based): chr15:72,355,601, G>A on the plus strand (C>T on the coding strand, the complement: HEXA is on the minus strand). VCF-style: chr15-72355601-G-A. GRCh37 (hg19) VCF-style: chr15-72647942-G-A.
Other names: c.403C>T, p.Gln135Ter (NM_001318825.2); short protein forms Q124*, Q135*.
Identifiers: ClinVar variation 984039 (VCV000984039.3), dbSNP rs2088766427, ClinGen allele CA393066743.